The following is an entry in ClinVar:

NM_033004.4(NLRP1):c.1886T>G (p.Phe629Cys)

Gene: NLRP1 (NLR family pyrin domain containing 1; minus strand). Cytogenetic location: 17p13.2.
Variant type: single nucleotide variant.
Coding change: c.1886T>G on transcript NM_033004.4 (MANE Select); coding-DNA position 1886, T replaced by G.
Protein change: p.Phe629Cys; replaces phenylalanine 629 with cysteine.
Molecular consequence: missense variant.
Genome position (GRCh38, 1-based): chr17:5,558,810, A>C on the plus strand (T>G on the coding strand, the complement: NLRP1 is on the minus strand). VCF-style: chr17-5558810-A-C. GRCh37 (hg19) VCF-style: chr17-5462130-A-C.
Other names: c.1886T>G, p.Phe629Cys (NM_001033053.3, NM_014922.5, NM_033006.4 and 1 more transcripts); short protein forms F629C.
Identifiers: ClinVar variation 4695634 (VCV004695634.1).

ClinVar aggregate classification (germline): Uncertain significance (1 of 4 stars; one submission).

gnomAD v4.1: 3 of 1,614,212 alleles (0.00019%); highest among the groups gnomAD compares: Non-Finnish European, 0.00025%; no homozygotes.

Submission:

Labcorp Genetics (formerly Invitae), Labcorp
Classification: Uncertain significance. Last evaluated: 2026-02-01. Review status: criteria provided, single submitter. Criteria: Invitae Variant Classification Sherloc (09022015). Collection method: clinical testing. Allele origin: germline.
Comment: This sequence change replaces phenylalanine, which is neutral and non-polar, with cysteine, which is neutral and slightly polar, at codon 629 of the NLRP1 protein (p.Phe629Cys). This variant is not present in population databases (gnomAD no frequency). This variant has not been reported in the literature in individuals affected with NLRP1-related conditions. An algorithm developed to predict the effect of missense changes on protein structure and function (PolyPhen-2) suggests that this variant is likely to be disruptive. In summary, the available evidence is currently insufficient to determine the role of this variant in disease. Therefore, it has been classified as a Variant of Uncertain Significance.